The following is an entry in ClinVar:

ClinVar aggregate classification (germline): Pathogenic (1 of 4 stars; one submission).

Conditions:
Propionic acidemia (PROP). Also called: GLYCINEMIA, KETOTIC; HYPERGLYCINEMIA WITH KETOACIDOSIS AND LEUKOPENIA; KETOTIC HYPERGLYCINEMIA. Identifiers: Orphanet 35, MedGen C0268579, MONDO:0011628, OMIM 606054, HP:0003571.

Submission:

Labcorp Genetics (formerly Invitae), Labcorp
Classification: Pathogenic for Propionic acidemia. Last evaluated: 2023-07-19. Review status: criteria provided, single submitter. Criteria: Invitae Variant Classification Sherloc (09022015). Collection method: clinical testing. Allele origin: germline.
Comment: For these reasons, this variant has been classified as Pathogenic. This variant disrupts a region of the PCCB protein in which other variant(s) (p.His59Gln) have been determined to be pathogenic (Invitae). This suggests that this is a clinically significant region of the protein, and that variants that disrupt it are likely to be disease-causing. This variant has not been reported in the literature in individuals affected with PCCB-related conditions. This variant is not present in population databases (gnomAD no frequency). This sequence change affects the initiator methionine of the PCCB mRNA. The next in-frame methionine is located at codon 84.

NM_000532.5(PCCB):c.2T>G (p.Met1Arg)

Gene: PCCB (propionyl-CoA carboxylase subunit beta; plus strand). Cytogenetic location: 3q22.3.
Variant type: single nucleotide variant.
Coding change: c.2T>G on transcript NM_000532.5 (MANE Select); coding-DNA position 2, T replaced by G.
Protein change: p.Met1Arg; changes the start codon (methionine 1).
Molecular consequence: missense variant, initiator codon variant.
Genome position (GRCh38, 1-based): chr3:136,250,377, T>G. VCF-style: chr3-136250377-T-G. GRCh37 (hg19) VCF-style: chr3-135969219-T-G.
Other names: c.2T>G, p.Met1Arg (NM_001178014.2); short protein forms M1R.
Identifiers: ClinVar variation 2745320 (VCV002745320.3), dbSNP rs398123462, ClinGen allele CA354737809.
Genomic context (GRCh38, chr3:136,250,377, plus strand): 5'-CACGCTTTAGCACATGCGTACTCAGGTGCGCCGGTAGGGGACGCGCCGGCACAGCAAAAA[T>G]GGCGGCGGCATTACGGGTGGCGGCGGTCGGGGCAAGGCTCAGCGTTCTGGCGAGCGGTCT-3'
Protein context (NP_000523.2, residues 1-11): [Met1Arg]AAALRVAAVG